The following is an entry in ClinVar:

ClinVar aggregate classification (germline): Likely pathogenic (1 of 4 stars; one submission).

Conditions:
Wilson disease (WND). Also called: Wilson's disease. Identifiers: Orphanet 905, MedGen C0019202, MONDO:0010200, OMIM 277900. Disease mechanism: loss of function.

Submission:

Natera, Inc.
Classification: Likely pathogenic for Wilson disease. Last evaluated: 2024-12-30. Review status: criteria provided, single submitter. Criteria: Natera Variant Classification Schema (03/2026). Collection method: clinical testing. Allele origin: germline.
Comment: The c.132T>G variant in ATP7B is a nonsense variant predicted to introduce a stop codon at amino acid 44. This variant is expected to result in nonsense mediated decay, truncation, or a dysfunctional protein product. This variant is rare in the general population with a frequency below the threshold expected for the associated phenotype(s). Given the available evidence, this variant is classified as Likely Pathogenic.

NM_000053.4(ATP7B):c.132T>G (p.Tyr44Ter)

Gene: ATP7B (ATPase copper transporting beta; minus strand). Cytogenetic location: 13q14.3.
Variant type: single nucleotide variant.
Coding change: c.132T>G on transcript NM_000053.4 (MANE Select); coding-DNA position 132, T replaced by G.
Protein change: p.Tyr44Ter; replaces tyrosine 44 with a stop codon.
Molecular consequence: nonsense.
Genome position (GRCh38, 1-based): chr13:51,975,088, A>C on the plus strand (T>G on the coding strand, the complement: ATP7B is on the minus strand). VCF-style: chr13-51975088-A-C. GRCh37 (hg19) VCF-style: chr13-52549224-A-C.
Other names: c.132T>G, p.Tyr44Ter (NM_001005918.3, NM_001243182.2, NM_001330578.2 and 30 more transcripts); c.36T>G, p.Tyr12Ter (NM_001406517.1, NM_001406518.1, NM_001406530.1 and 4 more transcripts); short protein forms Y12*, Y44*.
Identifiers: ClinVar variation 4814975 (VCV004814975.1).